The following is an entry in ClinVar:

NM_001206927.2(DNAH8):c.13030C>T (p.Arg4344Cys)

Gene: DNAH8 (dynein axonemal heavy chain 8; plus strand). Cytogenetic location: 6p21.2.
Variant type: single nucleotide variant.
Coding change: c.13030C>T on transcript NM_001206927.2 (MANE Select); coding-DNA position 13030, C replaced by T.
Protein change: p.Arg4344Cys; replaces arginine 4344 with cysteine.
Molecular consequence: missense variant.
Genome position (GRCh38, 1-based): chr6:38,984,284, C>T. VCF-style: chr6-38984284-C-T. GRCh37 (hg19) VCF-style: chr6-38952060-C-T.
Other names: c.12379C>T, p.Arg4127Cys (NM_001371.4); short protein forms R4344C, R4127C.
Identifiers: ClinVar variation 565728 (VCV000565728.7), dbSNP rs761380037, ClinGen allele CA3791534.
Genomic context (GRCh38, chr6:38,984,284, plus strand): 5'-GTTCGGTACATGATCGGAGAAGTACAATATGGAGGCAGAGTGACAGATGACTTTGACAAA[C>T]GTCTACTTAATTGCTTTGCCAGAGTAAGTCAATTTAGAAAAATAAAGTTTGGAGACACAT-3'
Protein context (NP_001193856.1, residues 4334-4354): GGRVTDDFDK[Arg4344Cys]LLNCFARVWF

ClinVar aggregate classification (germline): Uncertain significance. Review status: criteria provided, multiple submitters, no conflicts (2 of 4 stars). 2 submissions from 2 submitters: Uncertain significance (2). Last evaluated 2025-08-12.

Conditions:
Primary ciliary dyskinesia. Also called: Ciliary dyskinesia. Identifiers: Orphanet 244, MedGen C0008780, MONDO:0016575, HP:0012265.

Allele frequency attached by ClinVar (database versions not stated): ExAC 0.00001; gnomAD exomes 0.00002; gnomAD 0.00003; TOPMed 0.00003.
gnomAD v4.1: 22 of 1,606,560 alleles (0.0014%); highest among the groups gnomAD compares: Admixed American, 0.0033%; no homozygotes.

Submissions (2):

Ambry Genetics
Classification: Uncertain significance. Last evaluated: 2025-08-12. Review status: criteria provided, single submitter. Criteria: Ambry Variant Classification Scheme 2023. Collection method: clinical testing. Allele origin: germline.

Labcorp Genetics (formerly Invitae), Labcorp
Classification: Uncertain significance for Primary ciliary dyskinesia. Last evaluated: 2021-08-28. Review status: criteria provided, single submitter. Criteria: Invitae Variant Classification Sherloc (09022015). Collection method: clinical testing. Allele origin: germline.
Comment: This sequence change replaces arginine with cysteine at codon 4344 of the DNAH8 protein (p.Arg4344Cys). The arginine residue is highly conserved and there is a large physicochemical difference between arginine and cysteine. This variant is present in population databases (rs761380037, ExAC 0.002%). This variant has not been reported in the literature in individuals affected with DNAH8-related conditions. Algorithms developed to predict the effect of missense changes on protein structure and function are either unavailable or do not agree on the potential impact of this missense change (SIFT: "Deleterious"; PolyPhen-2: "Not Available"; Align-GVGD: "Class C0"). In summary, the available evidence is currently insufficient to determine the role of this variant in disease. Therefore, it has been classified as a Variant of Uncertain Significance.